The following is an entry in ClinVar:

ClinVar aggregate classification (germline): Uncertain significance (1 of 4 stars; one submission).

Submission:

Labcorp Genetics (formerly Invitae), Labcorp
Classification: Uncertain significance. Last evaluated: 2022-06-27. Review status: criteria provided, single submitter. Criteria: Invitae Variant Classification Sherloc (09022015). Collection method: clinical testing. Allele origin: germline.
Comment: This sequence change replaces leucine, which is neutral and non-polar, with valine, which is neutral and non-polar, at codon 46 of the ITPR1 protein (p.Leu46Val). This variant is not present in population databases (gnomAD no frequency). This variant has not been reported in the literature in individuals affected with ITPR1-related conditions. Algorithms developed to predict the effect of missense changes on protein structure and function are either unavailable or do not agree on the potential impact of this missense change (SIFT: "Deleterious"; PolyPhen-2: "Possibly Damaging"; Align-GVGD: "Class C0"). In summary, the available evidence is currently insufficient to determine the role of this variant in disease. Therefore, it has been classified as a Variant of Uncertain Significance.

NM_001378452.1(ITPR1):c.136C>G (p.Leu46Val)

Gene: ITPR1 (inositol 1,4,5-trisphosphate receptor type 1; plus strand). Cytogenetic location: 3p26.1.
Variant type: single nucleotide variant.
Coding change: c.136C>G on transcript NM_001378452.1 (MANE Select); coding-DNA position 136, C replaced by G.
Protein change: p.Leu46Val; replaces leucine 46 with valine.
Molecular consequence: missense variant.
Genome position (GRCh38, 1-based): chr3:4,521,067, C>G. VCF-style: chr3-4521067-C-G. GRCh37 (hg19) VCF-style: chr3-4562751-C-G.
Other names: c.136C>G, p.Leu46Val (NM_001099952.4, NM_001168272.2, NM_002222.7); short protein forms L46V.
Identifiers: ClinVar variation 1481923 (VCV001481923.6), dbSNP rs1464038696, ClinGen allele CA351794495.